The following is an entry in ClinVar:

NM_000218.3(KCNQ1):c.1514+4391C>T

Genes: KCNQ1 (potassium voltage-gated channel subfamily Q member 1; plus strand), KCNQ1OT1 (KCNQ1 opposite strand/antisense transcript 1; minus strand). Cytogenetic location: 11p15.5.
Variant type: single nucleotide variant.
Coding change: c.1514+4391C>T on transcript NM_000218.3 (MANE Select); 4391 bases into the intron after coding-DNA position 1514, C replaced by T.
Molecular consequence: intron variant. On other transcripts: non-coding transcript variant (1).
Genome position (GRCh38, 1-based): chr11:2,666,472, C>T. VCF-style: chr11-2666472-C-T. GRCh37 (hg19) VCF-style: chr11-2687702-C-T.
Other names: c.1244+4391C>T (NM_001406837.1); c.1418+4391C>T (NM_001406836.1); c.974+4391C>T (NM_001406838.1); c.1133+4391C>T (NM_181798.2).
Identifiers: ClinVar variation 4873948 (VCV004873948.2).

ClinVar aggregate classification (germline): Likely benign (1 of 4 stars; one submission).

gnomAD v4.1: 131 of 398,686 alleles (0.033%); highest among the groups gnomAD compares: African/African-American, 0.1%; no homozygotes.

Submission:

CeGaT Center for Human Genetics Tuebingen
Classification: Likely benign. Last evaluated: 2026-09-01. Review status: criteria provided, single submitter. Criteria: CeGaT Center For Human Genetics Tuebingen Variant Classification Criteria Version 2. Collection method: clinical testing. Allele origin: germline. Affected: yes. Observed: 3 variant alleles.
Comment: KCNQ1OT1: BS1